The following is an entry in ClinVar:

NM_000111.3(SLC26A3):c.2132T>G (p.Leu711Ter)

Gene: SLC26A3 (solute carrier family 26 member 3; minus strand). Cytogenetic location: 7q22.3.
Variant type: single nucleotide variant.
Coding change: c.2132T>G on transcript NM_000111.3 (MANE Select); coding-DNA position 2132, T replaced by G.
Protein change: p.Leu711Ter; replaces leucine 711 with a stop codon.
Molecular consequence: nonsense.
Genome position (GRCh38, 1-based): chr7:107,767,839, A>C on the plus strand (T>G on the coding strand, the complement: SLC26A3 is on the minus strand). VCF-style: chr7-107767839-A-C. GRCh37 (hg19) VCF-style: chr7-107408284-A-C.
Other names: short protein forms L711*.
Identifiers: ClinVar variation 55992 (VCV000055992.2), dbSNP rs386833474, ClinGen allele CA144086.
Genomic context (GRCh38, chr7:107,767,839, plus strand): 5'-AACTTTGAAGTACTGTAATCTTTCTTCATCAAAATATGCAAAACAGCATCATGGATTGTT[A>C]AGAAAAATATTGAGCTTTTCACTTCACCATCAAAAAATTCATACCGGTTAAGCTTCTCAA-3'

ClinVar aggregate classification (germline): Likely pathogenic (0 of 4 stars; one submission).

Conditions:
Congenital secretory diarrhea, chloride type (DIAR1). Also called: DIARRHEA 1, SECRETORY CHLORIDE, CONGENITAL; CHLORIDORRHEA, CONGENITAL; CHLORIDE DIARRHEA, CONGENITAL, FINNISH TYPE. Identifiers: Orphanet 53689, MedGen C0267662, MONDO:0008964, OMIM 214700.

Submission:

Juha Muilu Group; Institute for Molecular Medicine Finland (FIMM)
Classification: Likely pathogenic for Congenital secretory diarrhea, chloride type. Review status: no assertion criteria provided. Collection method: not provided. Allele origin: unknown.
Comment: FinDis database variant: This variant was not found or characterized by our laboratory, data were collected from public sources: see reference
ClinVar note: Converted during submission from probable-pathogenic to Likely pathogenic.